The following is an entry in ClinVar:

NM_000246.4(CIITA):c.1461C>G (p.Ile487Met)

Gene: CIITA (class II major histocompatibility complex transactivator; plus strand). Cytogenetic location: 16p13.13.
Variant type: single nucleotide variant.
Coding change: c.1461C>G on transcript NM_000246.4 (MANE Select); coding-DNA position 1461, C replaced by G.
Protein change: p.Ile487Met; replaces isoleucine 487 with methionine.
Molecular consequence: missense variant. On other transcripts: intron variant (1).
Genome position (GRCh38, 1-based): chr16:10,906,953, C>G. VCF-style: chr16-10906953-C-G. GRCh37 (hg19) VCF-style: chr16-11000810-C-G.
Other names: c.1464C>G, p.Ile488Met (NM_001286402.1, NM_001379332.1); c.1317C>G, p.Ile439Met (NM_001379330.1); c.1314C>G, p.Ile438Met (NM_001379331.1); c.1461C>G, p.Ile487Met (NM_001379333.1); c.1392C>G, p.Ile464Met (NM_001379334.1); c.860-2030C>G (NM_001286403.2); short protein forms I487M, I488M, I438M, I439M, I464M.
Identifiers: ClinVar variation 785312 (VCV000785312.19), dbSNP rs141202424, ClinGen allele CA7900133.

ClinVar aggregate classification (germline): Conflicting classifications of pathogenicity. Review status: criteria provided, conflicting classifications (1 of 4 stars). 5 submissions from 5 submitters: Uncertain significance (1); Benign (1); Likely benign (1). 2 of the submissions do not count toward it. Last evaluated 2026-01-31.

Conditions:
CIITA-related disorder. Also called: CIITA-related condition.
MHC class II deficiency. Also called: BLS, TYPE II; Bare lymphocyte syndrome 2. Identifiers: Orphanet 572, MedGen C5447452, MONDO:0008855.

Allele frequency attached by ClinVar (database versions not stated): ESP Exome Variant Server 0.00023; TOPMed 0.00035; 1000 Genomes Project 0.00040; 1000 Genomes Project 30x 0.00047; gnomAD exomes 0.00072 and 0.00116; ExAC 0.00105; gnomAD 0.00120 and 0.00124.
gnomAD v4.1: 1,232 of 1,613,112 alleles (0.076%); highest among the groups gnomAD compares: Non-Finnish European, 0.049%; 7 homozygotes.

Submissions (5):

Labcorp Genetics (formerly Invitae), Labcorp
Classification: Benign for MHC class II deficiency. Last evaluated: 2026-01-31. Review status: criteria provided, single submitter. Criteria: Invitae Variant Classification Sherloc (09022015). Collection method: clinical testing. Allele origin: germline.

Blueprint Genetics
Classification: Likely benign. Last evaluated: 2024-11-07. Review status: criteria provided, single submitter. Criteria: ACMG Guidelines, 2015. Collection method: clinical testing. Allele origin: germline.

Illumina Laboratory Services, Illumina
Classification: Uncertain significance for MHC class II deficiency 1. Last evaluated: 2018-01-12. Review status: criteria provided, single submitter. Criteria: ICSL Variant Classification Criteria 13 December 2019. Collection method: clinical testing. Allele origin: germline.

Natera, Inc.
Classification: Benign for Bare lymphocyte syndrome type II. Last evaluated: 2020-09-16. Review status: no assertion criteria provided. Collection method: clinical testing. Allele origin: germline. Not counted in ClinVar's aggregate classification.

PreventionGenetics, part of Exact Sciences
Classification: Benign for CIITA-related condition. Last evaluated: 2019-09-05. Review status: no assertion criteria provided. Collection method: clinical testing. Allele origin: germline. Not counted in ClinVar's aggregate classification.
Comment: This variant is classified as benign based on ACMG/AMP sequence variant interpretation guidelines (Richards et al. 2015 PMID: 25741868, with internal and published modifications).